The following is an entry in ClinVar:

ClinVar aggregate classification (germline): Uncertain significance. Review status: criteria provided, multiple submitters, no conflicts (2 of 4 stars). 2 submissions from 2 submitters: Uncertain significance (2). Last evaluated 2025-11-25.

gnomAD v4.1: 26 of 1,613,848 alleles (0.0016%); highest among the groups gnomAD compares: Admixed American, 0.017%; no homozygotes.

Submissions (2):

Labcorp Genetics (formerly Invitae), Labcorp
Classification: Uncertain significance. Last evaluated: 2025-11-25. Review status: criteria provided, single submitter. Criteria: Invitae Variant Classification Sherloc (09022015). Collection method: clinical testing. Allele origin: germline.
Comment: This sequence change replaces arginine, which is basic and polar, with glutamine, which is neutral and polar, at codon 3295 of the FAT2 protein (p.Arg3295Gln). This variant is present in population databases (rs771350129, gnomAD 0.006%). This variant has not been reported in the literature in individuals affected with FAT2-related conditions. ClinVar contains an entry for this variant (Variation ID: 3277806). Invitae Evidence Modeling of protein sequence and biophysical properties (such as structural, functional, and spatial information, amino acid conservation, physicochemical variation, residue mobility, and thermodynamic stability) indicates that this missense variant is expected to disrupt FAT2 protein function with a positive predictive value of 80%. In summary, the available evidence is currently insufficient to determine the role of this variant in disease. Therefore, it has been classified as a Variant of Uncertain Significance.

Ambry Genetics
Classification: Uncertain significance. Last evaluated: 2024-03-19. Review status: criteria provided, single submitter. Criteria: Ambry Variant Classification Scheme 2023. Collection method: clinical testing. Allele origin: germline.

NM_001447.3(FAT2):c.9884G>A (p.Arg3295Gln)

Genes: FAT2 (FAT atypical cadherin 2; minus strand), SLC36A1 (solute carrier family 36 member 1; plus strand). Cytogenetic location: 5q33.1.
Variant type: single nucleotide variant.
Coding change: c.9884G>A on transcript NM_001447.3 (MANE Select); coding-DNA position 9884, G replaced by A.
Protein change: p.Arg3295Gln; replaces arginine 3295 with glutamine.
Molecular consequence: missense variant.
Genome position (GRCh38, 1-based): chr5:151,529,320, C>T on the plus strand (G>A on the coding strand, the complement: FAT2 is on the minus strand). VCF-style: chr5-151529320-C-T. GRCh37 (hg19) VCF-style: chr5-150908881-C-T.
Other names: short protein forms R3295Q.
Identifiers: ClinVar variation 3277806 (VCV003277806.2).